The following is an entry in ClinVar:

NM_000642.3(AGL):c.4311C>G (p.Tyr1437Ter)

Gene: AGL (amylo-alpha-1,6-glucosidase and 4-alpha-glucanotransferase; plus strand). Cytogenetic location: 1p21.2.
Variant type: single nucleotide variant.
Coding change: c.4311C>G on transcript NM_000642.3 (MANE Select); coding-DNA position 4311, C replaced by G.
Protein change: p.Tyr1437Ter; replaces tyrosine 1437 with a stop codon.
Molecular consequence: nonsense.
Genome position (GRCh38, 1-based): chr1:99,916,461, C>G. VCF-style: chr1-99916461-C-G. GRCh37 (hg19) VCF-style: chr1-100382017-C-G.
Other names: c.4311C>G, p.Tyr1437Ter (NM_000028.3, NM_000643.3, NM_000644.3 and 1 more transcripts); c.4263C>G, p.Tyr1421Ter (NM_000646.3); c.4290C>G, p.Tyr1430Ter (NM_001425326.1); c.4110C>G, p.Tyr1370Ter (NM_001425327.1); c.4107C>G, p.Tyr1369Ter (NM_001425328.1); c.3972C>G, p.Tyr1324Ter (NM_001425329.1); c.3933C>G, p.Tyr1311Ter (NM_001425332.1); short protein forms Y1437*, Y1421*, Y1311*, Y1324*, Y1369*, Y1370*, Y1430*.
Identifiers: ClinVar variation 1404128 (VCV001404128.6), dbSNP rs760889909, ClinGen allele CA341342299.

ClinVar aggregate classification (germline): Pathogenic (1 of 4 stars; one submission).

Conditions:
Glycogen storage disease type III (GSD3). Also called: Cori disease; FORBES DISEASE. Identifiers: Orphanet 366, MedGen C0017922, MONDO:0009291, OMIM 232400.

Submission:

Labcorp Genetics (formerly Invitae), Labcorp
Classification: Pathogenic for Glycogen storage disease type III. Last evaluated: 2025-11-05. Review status: criteria provided, single submitter. Criteria: Invitae Variant Classification Sherloc (09022015). Collection method: clinical testing. Allele origin: germline.
Comment: This sequence change creates a premature translational stop signal (p.Tyr1437*) in the AGL gene. It is expected to result in an absent or disrupted protein product. Loss-of-function variants in AGL are known to be pathogenic (PMID: 19299494). This variant is not present in population databases (gnomAD no frequency). This variant has not been reported in the literature in individuals affected with AGL-related conditions. ClinVar contains an entry for this variant (Variation ID: 1404128). Algorithms developed to predict the effect of sequence changes on RNA splicing suggest that this variant may disrupt the consensus splice site. For these reasons, this variant has been classified as Pathogenic.

Literature cited by the submitters: PubMed 19299494.